The following is an entry in ClinVar:

NM_024598.4(USB1):c.453C>A (p.Phe151Leu)

Gene: USB1 (U6 snRNA biogenesis phosphodiesterase 1; plus strand). Cytogenetic location: 16q21.
Variant type: single nucleotide variant.
Coding change: c.453C>A on transcript NM_024598.4 (MANE Select); coding-DNA position 453, C replaced by A.
Protein change: p.Phe151Leu; replaces phenylalanine 151 with leucine.
Molecular consequence: missense variant. On other transcripts: intron variant (1).
Genome position (GRCh38, 1-based): chr16:58,014,276, C>A. VCF-style: chr16-58014276-C-A. GRCh37 (hg19) VCF-style: chr16-58048180-C-A.
Other names: c.300C>A, p.Phe100Leu (NM_001330568.2); c.450-3058C>A (NM_001195302.2); short protein forms F151L, F100L.
Identifiers: ClinVar variation 4634214 (VCV004634214.1).
Genomic context (GRCh38, chr16:58,014,276, plus strand): 5'-ATTTTTTCTGCTTTTTTTCTTACGATTTTTCCTGAAATATGGTCTTCTAAATTTCAGATT[C>A]TTCTTTACTGCCAACCAGGTAAAGATTTACACCAATCAAGAGAAAACCAGGTGGGTCCTC-3'
Protein context (NP_078874.2, residues 141-161): LKARMTSFHR[Phe151Leu]FFTANQVKIY

ClinVar aggregate classification (germline): Uncertain significance (1 of 4 stars; one submission).

Conditions:
Inborn genetic diseases. Identifiers: MedGen C0950123, MeSH D030342.

gnomAD v4.1: 2 of 1,612,972 alleles (0.00012%); highest among the groups gnomAD compares: Non-Finnish European, 0.00017%; no homozygotes.

Submission:

Ambry Genetics
Classification: Uncertain significance for Inborn genetic diseases. Last evaluated: 2025-11-23. Review status: criteria provided, single submitter. Criteria: Ambry Variant Classification Scheme 2023. Collection method: clinical testing. Allele origin: germline.
Comment: The p.F151L variant (also known as c.453C>A), located in coding exon 4 of the USB1 gene, results from a C to A substitution at nucleotide position 453. The phenylalanine at codon 151 is replaced by leucine, an amino acid with highly similar properties. This amino acid position is conserved. In addition, this alteration is predicted to be deleterious by in silico analysis. Based on the available evidence, the clinical significance of this variant remains unclear.